The following continues an entry in ClinVar:

NM_000059.4(BRCA2):c.2339C>G (p.Ser780Ter)

Gene: BRCA2. ClinVar aggregate classification (germline): Pathogenic. Pathogenic (1).

Submissions 10 to 15 of 15:

GeneDx
Classification: Pathogenic. Last evaluated: 2016-09-09. Review status: criteria provided, single submitter. Criteria: GeneDx Variant Classification (06012015). Collection method: clinical testing. Allele origin: germline. Affected: yes. Not counted in ClinVar's aggregate classification.
Comment: This variant is denoted BRCA2 c.2339C>G at the cDNA level and p.Ser780Ter (S780X) at the protein level. Using alternate nomenclature, this variant would be defined as BRCA2 c.2567C>G. The substitution creates a nonsense variant, which changes a Serine to a premature stop codon (TCA>TGA), and is predicted to cause loss of normal protein function through either protein truncation or nonsense-mediated mRNA decay. This variant has been reported in association with breast and/or ovarian cancer (Konstantopoulou 2014, Kwong 2016, Couch 2015) and is considered pathogenic.

Consortium of Investigators of Modifiers of BRCA1/2 (CIMBA), c/o University of Cambridge
Classification: Pathogenic for Breast-ovarian cancer, familial, susceptibility to, 2. Last evaluated: 2015-10-02. Review status: criteria provided, single submitter. Criteria: CIMBA Mutation Classification guidelines May 2016. Collection method: clinical testing. Allele origin: germline. Not counted in ClinVar's aggregate classification.

Laboratory for Molecular Medicine, Mass General Brigham Personalized Medicine
Classification: Pathogenic for Hereditary breast ovarian cancer syndrome. Last evaluated: 2015-07-29. Review status: criteria provided, single submitter. Criteria: LMM Criteria. Collection method: clinical testing. Allele origin: germline. Inheritance: Autosomal dominant inheritance. Observed: 1 variant allele. Not counted in ClinVar's aggregate classification.
Comment: This nonsense variant leads to a premature terminati on codon at position 780, which is predicted to lead to a truncated or absent pr otein. Heterozygous loss of function of the BRCA2 gene is an established disease mechanism in hereditary breast and ovarian cancer (HBOC). In summary, this vari ant meets our criteria to be classified as pathogenic for HBOC in an autosomal d ominant manner based upon predicted impact to the protein and absence in control s.

Counsyl
Classification: Pathogenic for Breast-ovarian cancer, familial, susceptibility to, 2. Last evaluated: 2017-02-21. Review status: no assertion criteria provided. Collection method: clinical testing. Allele origin: unknown. Not counted in ClinVar's aggregate classification.

Center for Precision Medicine, Meizhou People's Hospital
Classification: Pathogenic for Familial cancer of breast. Review status: no assertion criteria provided. Collection method: literature only. Allele origin: germline. Affected: yes. Not counted in ClinVar's aggregate classification.

Department of Pathology and Laboratory Medicine, Sinai Health System
Classification: Pathogenic for Malignant tumor of breast. Review status: no assertion criteria provided. Collection method: clinical testing. Allele origin: unknown. Affected: yes. Study: The Canadian Open Genetics Repository (COGR). Not counted in ClinVar's aggregate classification.
Comment: The BRCA2 p.Ser780* variant was identified in 7 of 29,390 proband chromosomes (frequency: 0.0002) from individuals or families with hereditary breast and ovarian cancer (Konstantopoulou 2014, Couch 2015, Kwong 2016, Rebbeck 2018, Chao 2016). The variant was identified in dbSNP (rs587781471) as â€šÃ„Ãºwith pathogenic alleleâ€šÃ„Ã¹, ClinVar (classified as pathogenic by Invitae, Ambry Genetics, GeneDx, Counsyl and 4 other submitters), LOVD 3.0 (observed 9x) and UMD-LSDB (observed 1x). The variant was identified in control databases in 1 of 250,872 chromosomes at a frequency of 0.000004 (Genome Aggregation Database Feb 27, 2017). The variant was observed in the East Asian population in 1 of 18,388 chromosomes (freq: 0.00005); it was not observed in the African, Latino, Ashkenazi Jewish, Finnish, European, Other and South Asian populations. The c.2339C>G variant leads to a premature stop codon at position 780, which is predicted to lead to a truncated or absent protein and loss of function. Loss of function variants of the BRCA2 gene are an established mechanism of disease in hereditary breast and ovarian cancer syndrome and is the type of variant expected to cause the disorder. In summary, based on the above information, this variant meets our laboratoryâ€šÃ„Ã´s criteria to be classified as pathogenic.

Literature cited by the submitters: PubMed 20104584 (cited by Labcorp Genetics (formerly Invitae), Labcorp and Center for Precision Medicine, Meizhou People's Hospital); PubMed 24010542 (cited by 8 submitters); PubMed 27157322 (cited by 6 submitters); PubMed 25452441 (cited by 5 submitters); PubMed 27907908 (cited by Ambry Genetics and Women's Health and Genetics/Laboratory Corporation of America, LabCorp); PubMed 28123851 (cited by Ambry Genetics); PubMed 29310832 (cited by Ambry Genetics); PubMed 29335925 (cited by 4 submitters); PubMed 29446198 (cited by 4 submitters); PubMed 30078507 (cited by Ambry Genetics); PubMed 32782288 (cited by Ambry Genetics); PubMed 33471991 (cited by 3 submitters); PubMed 30702160 (cited by Women's Health and Genetics/Laboratory Corporation of America, LabCorp and Color Diagnostics, LLC DBA Color Health); PubMed 35918668 (cited by Color Diagnostics, LLC DBA Color Health).